The following is an entry in ClinVar:

ClinVar aggregate classification (germline): Uncertain significance (1 of 4 stars; one submission).

Allele frequency attached by ClinVar (database versions not stated): gnomAD exomes below 0.00001.
gnomAD v4.1: 4 of 1,613,978 alleles (0.00025%); highest among the groups gnomAD compares: Non-Finnish European, 0.00034%; no homozygotes.

Submission:

Ambry Genetics
Classification: Uncertain significance. Last evaluated: 2022-11-23. Review status: criteria provided, single submitter. Criteria: Ambry Variant Classification Scheme 2023. Collection method: clinical testing. Allele origin: germline.
Comment: The p.E122G variant (also known as c.365A>G), located in coding exon 4 of the RINT1 gene, results from an A to G substitution at nucleotide position 365. The glutamic acid at codon 122 is replaced by glycine, an amino acid with similar properties. This amino acid position is conserved. In addition, this alteration is predicted to be tolerated by in silico analysis. Since supporting evidence is limited at this time, the clinical significance of this alteration remains unclear.

NM_021930.6(RINT1):c.365A>G (p.Glu122Gly)

Gene: RINT1 (RAD50 interactor 1; plus strand). Cytogenetic location: 7q22.3.
Variant type: single nucleotide variant.
Coding change: c.365A>G on transcript NM_021930.6 (MANE Select); coding-DNA position 365, A replaced by G.
Protein change: p.Glu122Gly; replaces glutamic acid 122 with glycine.
Molecular consequence: missense variant. On other transcripts: 5 prime UTR variant (3), non-coding transcript variant (1).
Genome position (GRCh38, 1-based): chr7:105,542,499, A>G. VCF-style: chr7-105542499-A-G. GRCh37 (hg19) VCF-style: chr7-105182946-A-G.
Other names: c.131A>G, p.Glu44Gly (NM_001346599.2); c.-655A>G (NM_001346600.2); c.-558A>G (NM_001346601.2); c.-178A>G (NM_001346603.2); short protein forms E44G, E122G.
Identifiers: ClinVar variation 2447201 (VCV002447201.2), dbSNP rs2133373340, ClinGen allele CA368803226.